The following is an entry in ClinVar:

NM_016239.4(MYO15A):c.9673A>G (p.Lys3225Glu)

Gene: MYO15A (myosin XVA; plus strand). Cytogenetic location: 17p11.2.
Variant type: single nucleotide variant.
Coding change: c.9673A>G on transcript NM_016239.4 (MANE Select); coding-DNA position 9673, A replaced by G.
Protein change: p.Lys3225Glu; replaces lysine 3225 with glutamic acid.
Molecular consequence: missense variant.
Genome position (GRCh38, 1-based): chr17:18,163,304, A>G. VCF-style: chr17-18163304-A-G. GRCh37 (hg19) VCF-style: chr17-18066618-A-G.
Other names: short protein forms K3225E.
Identifiers: ClinVar variation 2697013 (VCV002697013.3), dbSNP rs2545319078, ClinGen allele CA398639124.

ClinVar aggregate classification (germline): Uncertain significance (1 of 4 stars; one submission).

Submission:

Labcorp Genetics (formerly Invitae), Labcorp
Classification: Uncertain significance. Last evaluated: 2023-12-15. Review status: criteria provided, single submitter. Criteria: Invitae Variant Classification Sherloc (09022015). Collection method: clinical testing. Allele origin: germline.
Comment: This sequence change replaces lysine, which is basic and polar, with glutamic acid, which is acidic and polar, at codon 3225 of the MYO15A protein (p.Lys3225Glu). This variant is not present in population databases (gnomAD no frequency). This variant has not been reported in the literature in individuals affected with MYO15A-related conditions. Advanced modeling of protein sequence and biophysical properties (such as structural, functional, and spatial information, amino acid conservation, physicochemical variation, residue mobility, and thermodynamic stability) has been performed at Invitae for this missense variant, however the output from this modeling did not meet the statistical confidence thresholds required to predict the impact of this variant on MYO15A protein function. In summary, the available evidence is currently insufficient to determine the role of this variant in disease. Therefore, it has been classified as a Variant of Uncertain Significance.